The following is an entry in ClinVar:

NM_201596.3(CACNB2):c.456+315G>T

Gene: CACNB2 (calcium voltage-gated channel auxiliary subunit beta 2; plus strand). Cytogenetic location: 10p12.31.
Variant type: single nucleotide variant.
Coding change: c.456+315G>T on transcript NM_201596.3 (MANE Select); 315 bases into the intron after coding-DNA position 456, G replaced by T.
Molecular consequence: intron variant.
Genome position (GRCh38, 1-based): chr10:18,498,792, G>T. VCF-style: chr10-18498792-G-T. GRCh37 (hg19) VCF-style: chr10-18787721-G-T.
Other names: c.372+315G>T (NM_201571.4, NM_001167945.2, NM_201572.4); c.456+315G>T (NM_201593.3, NM_201597.3); c.291+315G>T (NM_000724.4, NM_001330060.2); c.294+315G>T (NM_201590.3); c.312+315G>T (NM_201570.3).
Identifiers: ClinVar variation 669803 (VCV000669803.2), dbSNP rs12252962, ClinGen allele CA203214438.

ClinVar aggregate classification (germline): Benign. Review status: criteria provided, multiple submitters, no conflicts (2 of 4 stars). 2 submissions from 2 submitters: Benign (2). Last evaluated 2018-06-14.

Allele frequency attached by ClinVar (database versions not stated): gnomAD 0.05536 and 0.05904; TOPMed 0.06372; 1000 Genomes Project 0.06550; 1000 Genomes Project 30x 0.06980.
gnomAD v4.1: 9,705 of 318,806 alleles (3%); highest among the groups gnomAD compares: African/African-American, 18%; 813 homozygotes.

Submissions (2):

GeneDx
Classification: Benign. Last evaluated: 2018-06-14. Review status: criteria provided, single submitter. Criteria: GeneDx Variant Classification (06012015). Collection method: clinical testing. Allele origin: germline. Affected: yes.
Comment: This variant is considered likely benign or benign based on one or more of the following criteria: it is a conservative change, it occurs at a poorly conserved position in the protein, it is predicted to be benign by multiple in silico algorithms, and/or has population frequency not consistent with disease.

Breakthrough Genomics
Classification: Benign. Review status: criteria provided, single submitter. Criteria: ACMG Guidelines, 2015. Collection method: not provided. Allele origin: germline. Inheritance: Autosomal dominant inheritance. Affected: yes.